The following is an entry in ClinVar:

NM_000321.3(RB1):c.2778A>C (p.Glu926Asp)

Gene: RB1 (RB transcriptional corepressor 1; plus strand). Cytogenetic location: 13q14.2.
Variant type: single nucleotide variant.
Coding change: c.2778A>C on transcript NM_000321.3 (MANE Select); coding-DNA position 2778, A replaced by C.
Protein change: p.Glu926Asp; replaces glutamic acid 926 with aspartic acid.
Molecular consequence: missense variant.
Genome position (GRCh38, 1-based): chr13:48,480,062, A>C. VCF-style: chr13-48480062-A-C. GRCh37 (hg19) VCF-style: chr13-49054198-A-C.
Other names: short protein forms E926D.
Identifiers: ClinVar variation 861257 (VCV000861257.15), dbSNP rs1433767914, ClinGen allele CA388158636.

ClinVar aggregate classification (germline): Uncertain significance. Review status: criteria provided, multiple submitters, no conflicts (2 of 4 stars). 4 submissions from 4 submitters: Uncertain significance (4). Last evaluated 2026-02-02.

Conditions:
Hereditary cancer-predisposing syndrome. Also called: Tumor predisposition; Hereditary neoplastic syndrome; Neoplastic Syndromes, Hereditary; Hereditary Cancer Syndrome. Identifiers: Orphanet 140162, MedGen C0027672, MeSH D009386, MONDO:0015356.
Retinoblastoma (RB1). Also called: RETINOBLASTOMA, SOMATIC. Identifiers: Orphanet 790, MedGen C0035335, MeSH D012175, MONDO:0008380, OMIM 180200, HP:0009919. Disease mechanism: loss of function. Inheritance: Both sporadic and heritable forms are tested..
Malignant tumor of urinary bladder. Also called: Bladder cancer; Urinary bladder cancer; Urinary Bladder Neoplasms. Identifiers: MedGen C0005684, MONDO:0001187, OMIM 109800.

Allele frequency attached by ClinVar (database versions not stated): gnomAD exomes below 0.00001; TOPMed 0.00001; gnomAD 0.00002.
gnomAD v4.1: 4 of 1,612,100 alleles (0.00025%); highest among the groups gnomAD compares: African/African-American, 0.0053%; no homozygotes.

Submissions (4):

Labcorp Genetics (formerly Invitae), Labcorp
Classification: Uncertain significance for Retinoblastoma. Last evaluated: 2026-02-02. Review status: criteria provided, single submitter. Criteria: Invitae Variant Classification Sherloc (09022015). Collection method: clinical testing. Allele origin: germline.
Comment: This sequence change replaces glutamic acid, which is acidic and polar, with aspartic acid, which is acidic and polar, at codon 926 of the RB1 protein (p.Glu926Asp). This variant is present in population databases (no rsID available, gnomAD 0.01%). This variant has not been reported in the literature in individuals affected with RB1-related conditions. ClinVar contains an entry for this variant (Variation ID: 861257). Invitae Evidence Modeling of protein sequence and biophysical properties (such as structural, functional, and spatial information, amino acid conservation, physicochemical variation, residue mobility, and thermodynamic stability) has been performed for this missense variant. However, the output from this modeling did not meet the statistical confidence thresholds required to predict the impact of this variant on RB1 protein function. In summary, the available evidence is currently insufficient to determine the role of this variant in disease. Therefore, it has been classified as a Variant of Uncertain Significance.

Ambry Genetics
Classification: Uncertain significance for Hereditary cancer-predisposing syndrome. Last evaluated: 2025-03-09. Review status: criteria provided, single submitter. Criteria: Ambry Variant Classification Scheme 2023. Collection method: clinical testing. Allele origin: germline.
Comment: The p.E926D variant (also known as c.2778A>C), located in coding exon 27 of the RB1 gene, results from an A to C substitution at nucleotide position 2778. The glutamic acid at codon 926 is replaced by aspartic acid, an amino acid with highly similar properties. This amino acid position is conserved. In addition, the in silico prediction for this alteration is inconclusive. Since supporting evidence is limited at this time, the clinical significance of this alteration remains unclear.

All of Us Research Program, National Institutes of Health
Classification: Uncertain significance for Retinoblastoma. Last evaluated: 2024-06-09. Review status: criteria provided, single submitter. Criteria: ACMG Guidelines, 2015. Collection method: clinical testing. Allele origin: germline. Inheritance: Autosomal dominant inheritance. Observed: 1 variant allele, 1 heterozygote.
Comment: This missense variant replaces glutamic acid with aspartic acid at codon 926 of the RB1 protein. Computational prediction suggests that this variant may not impact protein structure and function (internally defined REVEL score threshold <= 0.5, PMID: 27666373). To our knowledge, functional studies have not been reported for this variant. This variant has not been reported in individuals affected with hereditary cancer in the literature. This variant has been identified in 1/31404 chromosomes in the general population by the Genome Aggregation Database (gnomAD). The available evidence is insufficient to determine the role of this variant in disease conclusively. Therefore, this variant is classified as a Variant of Uncertain Significance.

This study involves interpretation of variants in research participants for the purpose of population health screening. Participant phenotype was not available at the time of variant classification. Additional details can be found in publication PMID: 35346344, PMCID: PMC8962531

Baylor Genetics
Classification: Uncertain significance for Malignant tumor of urinary bladder. Last evaluated: 2023-12-20. Review status: criteria provided, single submitter. Criteria: ACMG Guidelines, 2015. Collection method: clinical testing. Allele origin: unknown.